The following is an entry in ClinVar:

ClinVar aggregate classification (germline): Uncertain significance. Review status: criteria provided, multiple submitters, no conflicts (2 of 4 stars). 2 submissions from 2 submitters: Uncertain significance (2). Last evaluated 2022-02-10.

Conditions:
Complement component 5 deficiency. Also called: C5 DEFICIENCY. Identifiers: MedGen C0343047, MONDO:0012295, OMIM 609536.
Eculizumab, poor response to. Identifiers: MedGen C3810402, OMIM 615749.

Allele frequency attached by ClinVar (database versions not stated): TOPMed below 0.00001.
gnomAD v4.1: 1 of 1,612,158 alleles (0.000062%); no homozygotes.

Submissions (2):

Labcorp Genetics (formerly Invitae), Labcorp
Classification: Uncertain significance. Last evaluated: 2022-02-10. Review status: criteria provided, single submitter. Criteria: Invitae Variant Classification Sherloc (09022015). Collection method: clinical testing. Allele origin: germline.
Comment: In summary, the available evidence is currently insufficient to determine the role of this variant in disease. Therefore, it has been classified as a Variant of Uncertain Significance. Algorithms developed to predict the effect of missense changes on protein structure and function (SIFT, PolyPhen-2, Align-GVGD) all suggest that this variant is likely to be tolerated. This variant has not been reported in the literature in individuals affected with C5-related conditions. This variant is not present in population databases (gnomAD no frequency). This sequence change replaces threonine, which is neutral and polar, with alanine, which is neutral and non-polar, at codon 943 of the C5 protein (p.Thr943Ala).

Fulgent Genetics
Classification: Uncertain significance for Complement component 5 deficiency; Eculizumab, poor response to. Last evaluated: 2021-10-26. Review status: criteria provided, single submitter. Criteria: ACMG Guidelines, 2015. Collection method: clinical testing. Allele origin: unknown.

NM_001735.3(C5):c.2827A>G (p.Thr943Ala)

Gene: C5 (complement C5; minus strand). Cytogenetic location: 9q33.2.
Variant type: single nucleotide variant.
Coding change: c.2827A>G on transcript NM_001735.3 (MANE Select); coding-DNA position 2827, A replaced by G.
Protein change: p.Thr943Ala; replaces threonine 943 with alanine.
Molecular consequence: missense variant.
Genome position (GRCh38, 1-based): chr9:120,996,264, T>C on the plus strand (A>G on the coding strand, the complement: C5 is on the minus strand). VCF-style: chr9-120996264-T-C. GRCh37 (hg19) VCF-style: chr9-123758542-T-C.
Other names: c.2845A>G, p.Thr949Ala (NM_001317163.2); short protein forms T943A, T949A.
Identifiers: ClinVar variation 1408737 (VCV001408737.7), dbSNP rs2047115852, ClinGen allele CA374736254.